The following is an entry in ClinVar:

NM_000038.6(APC):c.4671T>G (p.Ile1557Met)

Gene: APC (APC regulator of Wnt signaling pathway; plus strand). Cytogenetic location: 5q22.2.
Variant type: single nucleotide variant.
Coding change: c.4671T>G on transcript NM_000038.6 (MANE Select); coding-DNA position 4671, T replaced by G.
Protein change: p.Ile1557Met; replaces isoleucine 1557 with methionine.
Molecular consequence: missense variant. On other transcripts: non-coding transcript variant (2).
Genome position (GRCh38, 1-based): chr5:112,840,265, T>G. VCF-style: chr5-112840265-T-G. GRCh37 (hg19) VCF-style: chr5-112175962-T-G.
Other names: c.4671T>G, p.Ile1557Met (NM_001127510.3, NM_001354895.2, NM_001407450.1); c.4617T>G, p.Ile1539Met (NM_001127511.3); c.4725T>G, p.Ile1575Met (NM_001354896.2, NM_001407447.1, NM_001407448.1 and 1 more transcripts); c.4701T>G, p.Ile1567Met (NM_001354897.2); c.4596T>G, p.Ile1532Met (NM_001354898.2); c.4587T>G, p.Ile1529Met (NM_001354899.2); c.4548T>G, p.Ile1516Met (NM_001354900.2); c.4494T>G, p.Ile1498Met (NM_001354901.2, NM_001407453.1); and 11 more; short protein forms I1173M, I1274M, I1397M, I1428M, I1431M, I1456M, I1466M, I1474M.
Identifiers: ClinVar variation 4757420 (VCV004757420.1).
Genomic context (GRCh38, chr5:112,840,265, plus strand): 5'-AGAATCAGAGCAGCCTAAAGAATCAAATGAAAACCAAGAGAAAGAGGCAGAAAAAACTAT[T>G]GATTCTGAAAAGGACCTATTAGATGATTCAGATGATGATGATATTGAAATACTAGAAGAA-3'
Protein context (NP_000029.2, residues 1547-1567): ENQEKEAEKT[Ile1557Met]DSEKDLLDDS

ClinVar aggregate classification (germline): Uncertain significance (1 of 4 stars; one submission).

Conditions:
Hereditary cancer-predisposing syndrome. Also called: Tumor predisposition; Hereditary Cancer Syndrome; Neoplastic Syndromes, Hereditary; Hereditary neoplastic syndrome. Identifiers: Orphanet 140162, MedGen C0027672, MeSH D009386, MONDO:0015356.

gnomAD v4.1: 4 of 1,614,122 alleles (0.00025%); highest among the groups gnomAD compares: Non-Finnish European, 0.00034%; no homozygotes.

Submission:

Color Diagnostics, LLC DBA Color Health
Classification: Uncertain significance for Hereditary cancer-predisposing syndrome. Last evaluated: 2025-06-30. Review status: criteria provided, single submitter. Criteria: ACMG Guidelines, 2015. Collection method: clinical testing. Allele origin: germline.
Comment: This missense variant replaces isoleucine with methionine at codon 1557 of the APC protein. Computational prediction suggests that this variant may not impact protein structure and function. To our knowledge, functional studies have not been reported for this variant. This variant has not been reported in individuals affected with APC-related disorders in the literature. This variant has not been identified in the general population by the Genome Aggregation Database (gnomAD). The available evidence is insufficient to determine the role of this variant in disease conclusively. Therefore, this variant is classified as a Variant of Uncertain Significance.